The following is an entry in ClinVar:

ClinVar aggregate classification (germline): Uncertain significance (1 of 4 stars; one submission).

Conditions:
Epilepsy. Also called: Seizure disorder. Identifiers: MedGen C0014544, MeSH D004827, MONDO:0005027.

Allele frequency attached by ClinVar (database versions not stated): gnomAD exomes below 0.00001; TOPMed 0.00001.
gnomAD v4.1: 3 of 1,613,126 alleles (0.00019%); highest among the groups gnomAD compares: Non-Finnish European, 0.00017%; no homozygotes.

Submission:

Labcorp Genetics (formerly Invitae), Labcorp
Classification: Uncertain significance for Epilepsy. Last evaluated: 2022-01-11. Review status: criteria provided, single submitter. Criteria: Invitae Variant Classification Sherloc (09022015). Collection method: clinical testing. Allele origin: germline.
Comment: In summary, the available evidence is currently insufficient to determine the role of this variant in disease. Therefore, it has been classified as a Variant of Uncertain Significance. Algorithms developed to predict the effect of sequence changes on RNA splicing suggest that this variant may create or strengthen a splice site. This variant has not been reported in the literature in individuals affected with PIGQ-related conditions. This variant is not present in population databases (gnomAD no frequency). This sequence change creates a premature translational stop signal (p.Gln575*) in the PIGQ gene. While this is not anticipated to result in nonsense mediated decay, it is expected to disrupt the last 7 amino acid(s) of the PIGQ protein.

NM_004204.5(PIGQ):c.1723C>T (p.Gln575Ter)

Gene: PIGQ (phosphatidylinositol glycan anchor biosynthesis class Q; plus strand). Cytogenetic location: 16p13.3.
Variant type: single nucleotide variant.
Coding change: c.1723C>T on transcript NM_004204.5 (MANE Select); coding-DNA position 1723, C replaced by T.
Protein change: p.Gln575Ter; replaces glutamine 575 with a stop codon.
Molecular consequence: nonsense. On other transcripts: missense variant (1).
Genome position (GRCh38, 1-based): chr16:583,012, C>T. VCF-style: chr16-583012-C-T. GRCh37 (hg19) VCF-style: chr16-633012-C-T.
Other names: c.1661C>T, p.Ala554Val (NM_148920.4); short protein forms A554V, Q575*.
Identifiers: ClinVar variation 2059095 (VCV002059095.4), dbSNP rs2035837683, ClinGen allele CA394062034.